The following is an entry in ClinVar:

NM_198586.3(NHLRC1):c.-5G>A

Gene: NHLRC1 (NHL repeat containing E3 ubiquitin protein ligase 1; minus strand). Cytogenetic location: 6p22.3.
Variant type: single nucleotide variant.
Coding change: c.-5G>A on transcript NM_198586.3 (MANE Select); 5 bases upstream of the start codon, G replaced by A.
Molecular consequence: 5 prime UTR variant.
Genome position (GRCh38, 1-based): chr6:18,122,611, C>T on the plus strand (G>A on the coding strand, the complement: NHLRC1 is on the minus strand). VCF-style: chr6-18122611-C-T. GRCh37 (hg19) VCF-style: chr6-18122842-C-T.
Identifiers: ClinVar variation 378273 (VCV000378273.1), dbSNP rs778360604, ClinGen allele CA3650062.

ClinVar aggregate classification (germline): Benign (1 of 4 stars; one submission).

Allele frequency attached by ClinVar (database versions not stated): ExAC 0.00001; gnomAD exomes 0.00001; gnomAD 0.00006 and 0.00008; TOPMed 0.00006.
gnomAD v4.1: 17 of 1,591,292 alleles (0.0011%); highest among the groups gnomAD compares: African/African-American, 0.02%; 1 homozygote.

Submission:

GeneDx
Classification: Benign. Last evaluated: 2015-09-17. Review status: criteria provided, single submitter. Criteria: GeneDx Variant Classification (06012015). Collection method: clinical testing. Allele origin: germline. Affected: yes.
Comment: This variant is considered likely benign or benign based on one or more of the following criteria: it is a conservative change, it occurs at a poorly conserved position in the protein, it is predicted to be benign by multiple in silico algorithms, and/or has population frequency not consistent with disease.